The following is an entry in ClinVar:

ClinVar aggregate classification (germline): Uncertain significance (1 of 4 stars; one submission).

Conditions:
U2AF2-related condition.

Submission:

PreventionGenetics, part of Exact Sciences
Classification: Uncertain significance for U2AF2-related condition. Last evaluated: 2025-05-04. Review status: criteria provided, single submitter. Criteria: ACMG Guidelines, 2015. Collection method: clinical testing. Allele origin: germline.
Comment: The U2AF2 c.265C>G variant is predicted to result in the amino acid substitution p.Arg89Gly. To our knowledge, this variant has not been reported in the literature or in a large population database (gnomAD), indicating this variant is rare. At this time, the clinical significance of this variant is uncertain due to the absence of conclusive functional and genetic evidence.

NM_007279.3(U2AF2):c.265C>G (p.Arg89Gly)

Gene: U2AF2 (U2 small nuclear RNA auxiliary factor 2; plus strand). Cytogenetic location: 19q13.42.
Variant type: single nucleotide variant.
Coding change: c.265C>G on transcript NM_007279.3 (MANE Select); coding-DNA position 265, C replaced by G.
Protein change: p.Arg89Gly; replaces arginine 89 with glycine.
Molecular consequence: missense variant.
Genome position (GRCh38, 1-based): chr19:55,660,550, C>G. VCF-style: chr19-55660550-C-G. GRCh37 (hg19) VCF-style: chr19-56171916-C-G.
Other names: c.265C>G, p.Arg89Gly (NM_001012478.2); short protein forms R89G.
Identifiers: ClinVar variation 4998142 (VCV004998142.1).
Genomic context (GRCh38, chr19:55,660,550, plus strand): 5'-CCGCTCTCCCCTCCCACCTCCCCCAGTCGTTCCCCCCGCCACGAGAAGAAGAAGAAGGTC[C>G]GTAAATACTGGGACGTGCCACCCCCAGGCTTTGAGCACATCACCCCAATGCAGTACAAGG-3'
Protein context (NP_009210.1, residues 79-99): SPRHEKKKKV[Arg89Gly]KYWDVPPPGF